The following is an entry in ClinVar:

NM_001211.6(BUB1B):c.892C>T (p.Pro298Ser)

Gene: BUB1B (BUB1 mitotic checkpoint serine/threonine kinase B; plus strand). Cytogenetic location: 15q15.1.
Variant type: single nucleotide variant.
Coding change: c.892C>T on transcript NM_001211.6 (MANE Select); coding-DNA position 892, C replaced by T.
Protein change: p.Pro298Ser; replaces proline 298 with serine.
Molecular consequence: missense variant.
Genome position (GRCh38, 1-based): chr15:40,185,305, C>T. VCF-style: chr15-40185305-C-T. GRCh37 (hg19) VCF-style: chr15-40477506-C-T.
Other names: short protein forms P298S.
Identifiers: ClinVar variation 533914 (VCV000533914.13), dbSNP rs756759220, ClinGen allele CA7475589.

ClinVar aggregate classification (germline): Uncertain significance. Review status: criteria provided, multiple submitters, no conflicts (2 of 4 stars). 2 submissions from 2 submitters: Uncertain significance (2). Last evaluated 2025-11-11.

Conditions:
Inborn genetic diseases. Identifiers: MedGen C0950123, MeSH D030342.
Mosaic variegated aneuploidy syndrome 1 (MVA1). Also called: Warburton-Anyane-Yeboa syndrome. Identifiers: Orphanet 1052, MedGen C1850343, MONDO:0009759, OMIM 257300.

Allele frequency attached by ClinVar (database versions not stated): TOPMed below 0.00001; gnomAD exomes 0.00001 and 0.00002; ExAC 0.00002.
gnomAD v4.1: 5 of 1,614,090 alleles (0.00031%); highest among the groups gnomAD compares: South Asian, 0.0022%; no homozygotes.

Submissions (2):

Ambry Genetics
Classification: Uncertain significance for Inborn genetic diseases. Last evaluated: 2025-11-11. Review status: criteria provided, single submitter. Criteria: Ambry Variant Classification Scheme 2023. Collection method: clinical testing. Allele origin: germline.
Comment: The p.P298S variant (also known as c.892C>T), located in coding exon 7 of the BUB1B gene, results from a C to T substitution at nucleotide position 892. The proline at codon 298 is replaced by serine, an amino acid with similar properties. This amino acid position is conserved. In addition, this alteration is predicted to be tolerated by in silico analysis. Since supporting evidence is limited at this time, the clinical significance of this alteration remains unclear.

Labcorp Genetics (formerly Invitae), Labcorp
Classification: Uncertain significance for Mosaic variegated aneuploidy syndrome 1. Last evaluated: 2024-03-06. Review status: criteria provided, single submitter. Criteria: Invitae Variant Classification Sherloc (09022015). Collection method: clinical testing. Allele origin: germline.
Comment: This sequence change replaces proline, which is neutral and non-polar, with serine, which is neutral and polar, at codon 298 of the BUB1B protein (p.Pro298Ser). This variant is present in population databases (rs756759220, gnomAD 0.006%). This variant has not been reported in the literature in individuals affected with BUB1B-related conditions. ClinVar contains an entry for this variant (Variation ID: 533914). An algorithm developed to predict the effect of missense changes on protein structure and function (PolyPhen-2) suggests that this variant is likely to be disruptive. In summary, the available evidence is currently insufficient to determine the role of this variant in disease. Therefore, it has been classified as a Variant of Uncertain Significance.